The following is an entry in ClinVar:

ClinVar aggregate classification (germline): Uncertain significance. Review status: criteria provided, multiple submitters, no conflicts (2 of 4 stars). 2 submissions from 2 submitters: Uncertain significance (2). Last evaluated 2023-11-03.

Conditions:
Inborn genetic diseases. Identifiers: MedGen C0950123, MeSH D030342.

Allele frequency attached by ClinVar (database versions not stated): TOPMed below 0.00001; gnomAD 0.00001; gnomAD exomes 0.00001.

Submissions (2):

Ambry Genetics
Classification: Uncertain significance for Inborn genetic diseases. Last evaluated: 2023-11-03. Review status: criteria provided, single submitter. Criteria: Ambry Variant Classification Scheme 2023. Collection method: clinical testing. Allele origin: germline.

GeneDx
Classification: Uncertain significance. Last evaluated: 2021-04-01. Review status: criteria provided, single submitter. Criteria: GeneDx Variant Classification Process June 2021. Collection method: clinical testing. Allele origin: germline. Affected: yes.
Comment: In silico analysis, which includes protein predictors and evolutionary conservation, supports a deleterious effect; Has not been previously published as pathogenic or benign to our knowledge

NM_001271938.2(MEGF8):c.4237G>A (p.Gly1413Arg)

Gene: MEGF8 (multiple EGF like domains 8; plus strand). Cytogenetic location: 19q13.2.
Variant type: single nucleotide variant.
Coding change: c.4237G>A on transcript NM_001271938.2 (MANE Select); coding-DNA position 4237, G replaced by A.
Protein change: p.Gly1413Arg; replaces glycine 1413 with arginine.
Molecular consequence: missense variant.
Genome position (GRCh38, 1-based): chr19:42,355,850, G>A. VCF-style: chr19-42355850-G-A. GRCh37 (hg19) VCF-style: chr19-42860002-G-A.
Other names: c.4036G>A, p.Gly1346Arg (NM_001410.3); short protein forms G1346R, G1413R.
Identifiers: ClinVar variation 1305387 (VCV001305387.3), dbSNP rs768127043, ClinGen allele CA9475212.